The following is an entry in ClinVar:

NM_005359.6(SMAD4):c.28C>T (p.Pro10Ser)

Gene: SMAD4 (SMAD family member 4; plus strand). Cytogenetic location: 18q21.2.
Variant type: single nucleotide variant.
Coding change: c.28C>T on transcript NM_005359.6 (MANE Select); coding-DNA position 28, C replaced by T.
Protein change: p.Pro10Ser; replaces proline 10 with serine.
Molecular consequence: missense variant.
Genome position (GRCh38, 1-based): chr18:51,047,074, C>T. VCF-style: chr18-51047074-C-T. GRCh37 (hg19) VCF-style: chr18-48573444-C-T.
Other names: c.28C>T, p.Pro10Ser (NM_001407041.1, NM_001407042.1, NM_001407043.1); short protein forms P10S.
Identifiers: ClinVar variation 1797422 (VCV001797422.3), dbSNP rs2144400339, ClinGen allele CA402457281.
Genomic context (GRCh38, chr18:51,047,074, plus strand): 5'-ACATATTTGATTTAAAAGGAAAAACTTGAACAAATGGACAATATGTCTATTACGAATACA[C>T]CAACAAGTAATGATGCCTGTCTGAGCATTGTGCATAGTTTGATGTGCCATAGACAAGGTG-3'
Protein context (NP_005350.1, residues 1-20): MDNMSITNT[Pro10Ser]TSNDACLSIV

ClinVar aggregate classification (germline): Uncertain significance (1 of 4 stars; one submission).

Conditions:
Hereditary cancer-predisposing syndrome. Also called: Neoplastic Syndromes, Hereditary; Tumor predisposition; Hereditary Cancer Syndrome; Hereditary neoplastic syndrome. Identifiers: Orphanet 140162, MedGen C0027672, MeSH D009386, MONDO:0015356.
Familial thoracic aortic aneurysm and aortic dissection (TAAD). Also called: Thoracic aortic aneurysms and dissections. Identifiers: Orphanet 91387, MedGen C4707243, MONDO:0019625.

Submission:

Ambry Genetics
Classification: Uncertain significance for Hereditary cancer-predisposing syndrome; Familial thoracic aortic aneurysm and aortic dissection. Last evaluated: 2025-01-15. Review status: criteria provided, single submitter. Criteria: Ambry Variant Classification Scheme 2023. Collection method: clinical testing. Allele origin: germline.
Comment: The p.P10S variant (also known as c.28C>T), located in coding exon 1 of the SMAD4 gene, results from a C to T substitution at nucleotide position 28. The proline at codon 10 is replaced by serine, an amino acid with similar properties. This amino acid position is highly conserved in available vertebrate species. In addition, this alteration is predicted to be deleterious by in silico analysis. Based on the available evidence, the clinical significance of this variant remains unclear.